The following is an entry in ClinVar:

ClinVar aggregate classification (germline): Uncertain significance (1 of 4 stars; one submission).

Allele frequency attached by ClinVar (database versions not stated): gnomAD 0.00001; gnomAD exomes 0.00001; TOPMed 0.00001; ExAC 0.00003; ESP Exome Variant Server 0.00008.
gnomAD v4.1: 15 of 1,612,796 alleles (0.00093%); highest among the groups gnomAD compares: Non-Finnish European, 0.0012%; no homozygotes.

Submission:

Labcorp Genetics (formerly Invitae), Labcorp
Classification: Uncertain significance. Last evaluated: 2024-10-24. Review status: criteria provided, single submitter. Criteria: Invitae Variant Classification Sherloc (09022015). Collection method: clinical testing. Allele origin: germline.
Comment: This sequence change replaces serine, which is neutral and polar, with asparagine, which is neutral and polar, at codon 265 of the HPS1 protein (p.Ser265Asn). This variant is present in population databases (rs142333042, gnomAD 0.002%). This variant has not been reported in the literature in individuals affected with HPS1-related conditions. ClinVar contains an entry for this variant (Variation ID: 2154915). Invitae Evidence Modeling of protein sequence and biophysical properties (such as structural, functional, and spatial information, amino acid conservation, physicochemical variation, residue mobility, and thermodynamic stability) indicates that this missense variant is not expected to disrupt HPS1 protein function with a negative predictive value of 95%. In summary, the available evidence is currently insufficient to determine the role of this variant in disease. Therefore, it has been classified as a Variant of Uncertain Significance.

NM_000195.5(HPS1):c.794G>A (p.Ser265Asn)

Gene: HPS1 (HPS1 biogenesis of lysosomal organelles complex 3 subunit 1; minus strand). Cytogenetic location: 10q24.2.
Variant type: single nucleotide variant.
Coding change: c.794G>A on transcript NM_000195.5 (MANE Select); coding-DNA position 794, G replaced by A.
Protein change: p.Ser265Asn; replaces serine 265 with asparagine.
Molecular consequence: missense variant. On other transcripts: 5 prime UTR variant (1), intron variant (8).
Genome position (GRCh38, 1-based): chr10:98,429,864, C>T on the plus strand (G>A on the coding strand, the complement: HPS1 is on the minus strand). VCF-style: chr10-98429864-C-T. GRCh37 (hg19) VCF-style: chr10-100189621-C-T.
Other names: c.794G>A, p.Ser265Asn (NM_001322476.2, NM_001322477.2, NM_182639.4); c.533G>A, p.Ser178Asn (NM_001322480.2, NM_001322481.2); c.425G>A, p.Ser142Asn (NM_001322483.2, NM_001322484.2); c.-179G>A (NM_001322487.2); c.676G>A, p.Ala226Thr (NM_001322490.2); c.769-222G>A (NM_001322478.2, NM_001322479.2, NM_001322491.2); c.400-222G>A (NM_001322485.2); c.508-222G>A (NM_001322482.2); and 2 more; short protein forms A226T, S142N, S178N, S265N.
Identifiers: ClinVar variation 2154915 (VCV002154915.3), dbSNP rs142333042, ClinGen allele CA5639278.